The following is an entry in ClinVar:

ClinVar aggregate classification (germline): Benign/Likely benign. Review status: criteria provided, multiple submitters, no conflicts (2 of 4 stars). 3 submissions from 3 submitters: Benign (1); Likely benign (2). Last evaluated 2025-10-06.

Conditions:
Hereditary cancer-predisposing syndrome. Also called: Tumor predisposition; Neoplastic Syndromes, Hereditary; Hereditary neoplastic syndrome; Hereditary Cancer Syndrome. Identifiers: Orphanet 140162, MedGen C0027672, MeSH D009386, MONDO:0015356.
Oligodontia-cancer predisposition syndrome. Also called: TOOTH AGENESIS-COLORECTAL CANCER SYNDROME. Identifiers: Orphanet 300576, MedGen C1837750, MONDO:0012075, OMIM 608615. Disease mechanism: loss of function.

Submissions (3):

Labcorp Genetics (formerly Invitae), Labcorp
Classification: Likely benign for Oligodontia-cancer predisposition syndrome. Last evaluated: 2025-10-06. Review status: criteria provided, single submitter. Criteria: Invitae Variant Classification Sherloc (09022015). Collection method: clinical testing. Allele origin: germline.

Myriad Genetics, Inc.
Classification: Benign for Oligodontia-cancer predisposition syndrome. Last evaluated: 2024-06-26. Review status: criteria provided, single submitter. Criteria: Myriad Autosomal Dominant, Autosomal Recessive and X-Linked Classification Criteria (2023). Collection method: clinical testing. Allele origin: unknown.
Comment: This variant is considered benign. This variant is a silent/synonymous amino acid change and it is not expected to impact splicing.

Ambry Genetics
Classification: Likely benign for Hereditary cancer-predisposing syndrome. Last evaluated: 2022-05-06. Review status: criteria provided, single submitter. Criteria: Ambry Variant Classification Scheme 2023. Collection method: clinical testing. Allele origin: germline.

NM_004655.4(AXIN2):c.522G>A (p.Ala174=)

Gene: AXIN2 (axin 2; minus strand). Cytogenetic location: 17q24.1.
Variant type: single nucleotide variant.
Coding change: c.522G>A on transcript NM_004655.4 (MANE Select); coding-DNA position 522, G replaced by A.
Protein change: p.Ala174=; no amino-acid change (alanine 174 retained).
Molecular consequence: synonymous variant.
Genome position (GRCh38, 1-based): chr17:65,558,099, C>T on the plus strand (G>A on the coding strand, the complement: AXIN2 is on the minus strand). VCF-style: chr17-65558099-C-T. GRCh37 (hg19) VCF-style: chr17-63554217-C-T.
Other names: c.522G>A (LRG_296t1); c.522G>A, p.Ala174= (NM_001363813.1).
Identifiers: ClinVar variation 415233 (VCV000415233.15), dbSNP rs780914406, ClinGen allele CA16615625.